The following is an entry in ClinVar:

ClinVar aggregate classification (germline): Uncertain significance (1 of 4 stars; one submission).

Conditions:
Inborn genetic diseases. Identifiers: MedGen C0950123, MeSH D030342.

Submission:

Ambry Genetics
Classification: Uncertain significance for Inborn genetic diseases. Last evaluated: 2025-12-22. Review status: criteria provided, single submitter. Criteria: Ambry Variant Classification Scheme 2023. Collection method: clinical testing. Allele origin: germline.
Comment: The p.A77D variant (also known as c.230C>A) is located in coding exon 2 of the GATA2 gene. The alanine at codon 77 is replaced by aspartic acid, an amino acid with dissimilar properties. This change occurs in the first base pair of coding exon 2. This amino acid position is conserved. In addition, this alteration is predicted to be deleterious by in silico analysis. Based on the available evidence, the clinical significance of this variant remains unclear.

NM_032638.5(GATA2):c.230C>A (p.Ala77Asp)

Gene: GATA2 (GATA binding protein 2; minus strand). Cytogenetic location: 3q21.3.
Variant type: single nucleotide variant.
Coding change: c.230C>A on transcript NM_032638.5 (MANE Select); coding-DNA position 230, C replaced by A.
Protein change: p.Ala77Asp; replaces alanine 77 with aspartic acid.
Molecular consequence: missense variant.
Genome position (GRCh38, 1-based): chr3:128,486,368, G>T on the plus strand (C>A on the coding strand, the complement: GATA2 is on the minus strand). VCF-style: chr3-128486368-G-T. GRCh37 (hg19) VCF-style: chr3-128205211-G-T.
Other names: c.230C>A, p.Ala77Asp (NM_001145661.2, NM_001145662.1); short protein forms A77D.
Identifiers: ClinVar variation 4842562 (VCV004842562.1).